The following is an entry in ClinVar:

ClinVar aggregate classification (germline): Uncertain significance. Review status: criteria provided, multiple submitters, no conflicts (2 of 4 stars). 2 submissions from 2 submitters: Uncertain significance (2). Last evaluated 2025-04-17.

Conditions:
Hereditary cancer-predisposing syndrome. Also called: Tumor predisposition; Neoplastic Syndromes, Hereditary; Hereditary Cancer Syndrome; Hereditary neoplastic syndrome. Identifiers: Orphanet 140162, MedGen C0027672, MeSH D009386, MONDO:0015356.
Familial adenomatous polyposis 1 (FAP1). Also called: POLYPOSIS, ADENOMATOUS INTESTINAL; FAMILIAL ADENOMATOUS POLYPOSIS 1, ATTENUATED. Identifiers: MedGen C2713442, MONDO:0021056, OMIM 175100. Disease mechanism: loss of function.

Submissions (2):

Labcorp Genetics (formerly Invitae), Labcorp
Classification: Uncertain significance for Familial adenomatous polyposis 1. Last evaluated: 2025-04-17. Review status: criteria provided, single submitter. Criteria: Invitae Variant Classification Sherloc (09022015). Collection method: clinical testing. Allele origin: germline.
Comment: This sequence change replaces alanine, which is neutral and non-polar, with threonine, which is neutral and polar, at codon 2120 of the APC protein (p.Ala2120Thr). This variant is not present in population databases (gnomAD no frequency). This variant has not been reported in the literature in individuals affected with APC-related conditions. Invitae Evidence Modeling of protein sequence and biophysical properties (such as structural, functional, and spatial information, amino acid conservation, physicochemical variation, residue mobility, and thermodynamic stability) indicates that this missense variant is not expected to disrupt APC protein function with a negative predictive value of 95%. In summary, the available evidence is currently insufficient to determine the role of this variant in disease. Therefore, it has been classified as a Variant of Uncertain Significance.

Ambry Genetics
Classification: Uncertain significance for Hereditary cancer-predisposing syndrome. Last evaluated: 2025-01-06. Review status: criteria provided, single submitter. Criteria: Ambry Variant Classification Scheme 2023. Collection method: clinical testing. Allele origin: germline.
Comment: The p.A2120T variant (also known as c.6358G>A), located in coding exon 15 of the APC gene, results from a G to A substitution at nucleotide position 6358. The alanine at codon 2120 is replaced by threonine, an amino acid with similar properties. This amino acid position is conserved. In addition, in silico predictors for this gene do not accurately predict pathogenicity. Based on the available evidence, the clinical significance of this variant remains unclear.

NM_000038.6(APC):c.6358G>A (p.Ala2120Thr)

Gene: APC (APC regulator of Wnt signaling pathway; plus strand). Cytogenetic location: 5q22.2.
Variant type: single nucleotide variant.
Coding change: c.6358G>A on transcript NM_000038.6 (MANE Select); coding-DNA position 6358, G replaced by A.
Protein change: p.Ala2120Thr; replaces alanine 2120 with threonine.
Molecular consequence: missense variant. On other transcripts: non-coding transcript variant (2).
Genome position (GRCh38, 1-based): chr5:112,841,952, G>A. VCF-style: chr5-112841952-G-A. GRCh37 (hg19) VCF-style: chr5-112177649-G-A.
Other names: c.6358G>A, p.Ala2120Thr (NM_001127510.3, NM_001354895.2, NM_001407450.1); c.6304G>A, p.Ala2102Thr (NM_001127511.3); c.6412G>A, p.Ala2138Thr (NM_001354896.2, NM_001407447.1, NM_001407448.1 and 1 more transcripts); c.6388G>A, p.Ala2130Thr (NM_001354897.2); c.6283G>A, p.Ala2095Thr (NM_001354898.2); c.6274G>A, p.Ala2092Thr (NM_001354899.2); c.6235G>A, p.Ala2079Thr (NM_001354900.2); c.6181G>A, p.Ala2061Thr (NM_001354901.2, NM_001407453.1); and 11 more; short protein forms A2019T, A2037T, A2095T, A1736T, A1960T, A2130T, A2061T, A2079T.
Identifiers: ClinVar variation 3879567 (VCV003879567.2).